The following is an entry in ClinVar:

NM_005732.4(RAD50):c.2066A>G (p.Gln689Arg)

Gene: RAD50 (RAD50 double strand break repair protein; plus strand). Cytogenetic location: 5q31.1.
Variant type: single nucleotide variant.
Coding change: c.2066A>G on transcript NM_005732.4 (MANE Select); coding-DNA position 2066, A replaced by G.
Protein change: p.Gln689Arg; replaces glutamine 689 with arginine.
Molecular consequence: missense variant.
Genome position (GRCh38, 1-based): chr5:132,595,669, A>G. VCF-style: chr5-132595669-A-G. GRCh37 (hg19) VCF-style: chr5-131931361-A-G.
Other names: short protein forms Q689R.
Identifiers: ClinVar variation 1464800 (VCV001464800.6), dbSNP rs2149844097, ClinGen allele CA360949763.

ClinVar aggregate classification (germline): Uncertain significance (1 of 4 stars; one submission).

Conditions:
Hereditary cancer-predisposing syndrome. Also called: Tumor predisposition; Hereditary neoplastic syndrome; Hereditary Cancer Syndrome; Neoplastic Syndromes, Hereditary. Identifiers: Orphanet 140162, MedGen C0027672, MeSH D009386, MONDO:0015356.

Submission:

Labcorp Genetics (formerly Invitae), Labcorp
Classification: Uncertain significance for Hereditary cancer-predisposing syndrome. Last evaluated: 2022-10-17. Review status: criteria provided, single submitter. Criteria: Invitae Variant Classification Sherloc (09022015). Collection method: clinical testing. Allele origin: germline.
Comment: Advanced modeling of protein sequence and biophysical properties (such as structural, functional, and spatial information, amino acid conservation, physicochemical variation, residue mobility, and thermodynamic stability) performed at Invitae indicates that this missense variant is not expected to disrupt RAD50 protein function. ClinVar contains an entry for this variant (Variation ID: 1464800). This variant has not been reported in the literature in individuals affected with RAD50-related conditions. This variant is not present in population databases (gnomAD no frequency). This sequence change replaces glutamine, which is neutral and polar, with arginine, which is basic and polar, at codon 689 of the RAD50 protein (p.Gln689Arg). In summary, the available evidence is currently insufficient to determine the role of this variant in disease. Therefore, it has been classified as a Variant of Uncertain Significance.